The following is an entry in ClinVar:

ClinVar aggregate classification (germline): Pathogenic (1 of 4 stars; one submission).

Conditions:
Hajdu-Cheney syndrome (HJCYS). Also called: Acroosteolysis dominant type; SERPENTINE FIBULA-POLYCYSTIC KIDNEY SYNDROME; ACROOSTEOLYSIS WITH OSTEOPOROSIS AND CHANGES IN SKULL AND MANDIBLE. Identifiers: Orphanet 955, MedGen C0917715, MONDO:0007057, OMIM 102500.

Submission:

Labcorp Genetics (formerly Invitae), Labcorp
Classification: Pathogenic for Hajdu-Cheney syndrome. Last evaluated: 2021-11-28. Review status: criteria provided, single submitter. Criteria: Invitae Variant Classification Sherloc (09022015). Collection method: clinical testing. Allele origin: germline.
Comment: This sequence change creates a premature translational stop signal (p.Cys1342delinsPhe*) in the NOTCH2 gene. It is expected to result in an absent or disrupted protein product. Loss-of-function variants in NOTCH2 are known to be pathogenic (PMID: 16773578, 22209762). This variant is not present in population databases (gnomAD no frequency). This variant has not been reported in the literature in individuals affected with NOTCH2-related conditions. For these reasons, this variant has been classified as Pathogenic.

Literature cited by the submitters: PubMed 16773578; PubMed 22209762.

NM_024408.4(NOTCH2):c.4025_4027delinsTCT (p.Cys1342_Gln1343delinsPheTer)

Gene: NOTCH2 (notch receptor 2; minus strand). Cytogenetic location: 1p12.
Variant type: Indel.
Coding change: c.4025_4027delinsTCT on transcript NM_024408.4 (MANE Select); coding-DNA positions 4025 to 4027, GCC replaced by TCT.
Protein change: p.Cys1342_Gln1343delinsPheTer.
Molecular consequence: nonsense.
Genome position (GRCh38, 1-based): chr1:119,925,789-119,925,791, GGC replaced by AGA on the plus strand (GCC replaced by TCT on the coding strand, the reverse complement: NOTCH2 is on the minus strand). VCF-style: chr1-119925789-GGC-AGA. GRCh37 (hg19) VCF-style: chr1-120468412-GGC-AGA.
Identifiers: ClinVar variation 2015161 (VCV002015161.4), dbSNP rs2526149314, ClinGen allele CA2580060935.